The following is an entry in ClinVar:

NM_018255.4(ELP2):c.56G>A (p.Arg19Gln)

Gene: ELP2 (elongator acetyltransferase complex subunit 2; plus strand). Cytogenetic location: 18q12.2.
Variant type: single nucleotide variant.
Coding change: c.56G>A on transcript NM_018255.4 (MANE Select); coding-DNA position 56, G replaced by A.
Protein change: p.Arg19Gln; replaces arginine 19 with glutamine.
Molecular consequence: missense variant. On other transcripts: 5 prime UTR variant (1), non-coding transcript variant (4).
Genome position (GRCh38, 1-based): chr18:36,129,989, G>A. VCF-style: chr18-36129989-G-A. GRCh37 (hg19) VCF-style: chr18-33709952-G-A.
Other names: c.56G>A (NM_001242875.2); c.56G>A, p.Arg19Gln (NM_001242875.3, NM_001242876.3, NM_001242877.3 and 5 more transcripts); c.-313G>A (NM_001324468.2); short protein forms R19Q.
Identifiers: ClinVar variation 2391742 (VCV002391742.26), dbSNP rs138742252, ClinGen allele CA8939467.
Genomic context (GRCh38, chr18:36,129,989, plus strand): 5'-GCGACATGGTGGCACCCGTGCTGGAGACTTCTCACGTGTTTTGCTGCCCAAACCGGGTGC[G>A]GGGAGTCCTGAACTGGAGCTCTGGGCCCAGAGGACTTCTGGCCTTTGGCACGTCCTGCTC-3'
Protein context (NP_060725.1, residues 9-29): SHVFCCPNRV[Arg19Gln]GVLNWSSGPR

ClinVar aggregate classification (germline): Conflicting classifications of pathogenicity. Review status: criteria provided, conflicting classifications (1 of 4 stars). 3 submissions from 3 submitters: Uncertain significance (1); Likely benign (1). 1 of the submissions does not count toward it. Last evaluated 2025-11-01.

Conditions:
ELP2-related disorder. Also called: ELP2-Related Disorders; ELP2-related condition.
Inborn genetic diseases. Identifiers: MedGen C0950123, MeSH D030342.

Allele frequency attached by ClinVar (database versions not stated): TOPMed 0.00034; ExAC 0.00056; gnomAD exomes 0.00057; ESP Exome Variant Server 0.00092; gnomAD 0.00103.
gnomAD v4.1: 976 of 1,614,192 alleles (0.06%); highest among the groups gnomAD compares: Non-Finnish European, 0.074%; 9 homozygotes.

Submissions (3):

CeGaT Center for Human Genetics Tuebingen
Classification: Likely benign. Last evaluated: 2025-11-01. Review status: criteria provided, single submitter. Criteria: CeGaT Center For Human Genetics Tuebingen Variant Classification Criteria Version 2. Collection method: clinical testing. Allele origin: germline. Affected: yes. Observed: 4 variant alleles.
Comment: ELP2: BS2

Ambry Genetics
Classification: Uncertain significance for Inborn genetic diseases. Last evaluated: 2025-05-22. Review status: criteria provided, single submitter. Criteria: Ambry Variant Classification Scheme 2023. Collection method: clinical testing. Allele origin: germline.

PreventionGenetics, part of Exact Sciences
Classification: Likely benign for ELP2-related condition. Last evaluated: 2022-10-10. Review status: no assertion criteria provided. Collection method: clinical testing. Allele origin: germline. Not counted in ClinVar's aggregate classification.
Comment: This variant is classified as likely benign based on ACMG/AMP sequence variant interpretation guidelines (Richards et al. 2015 PMID: 25741868, with internal and published modifications).